The following is an entry in ClinVar:

NM_018406.7(MUC4):c.8289A>C (p.Thr2763=)

Gene: MUC4 (mucin 4, cell surface associated). Cytogenetic location: 3q29.
Variant type: single nucleotide variant.
Coding change: c.8289A>C on transcript NM_018406.7 (MANE Select); coding-DNA position 8289, A replaced by C.
Protein change: p.Thr2763=; no amino-acid change (threonine 2763 retained).
Molecular consequence: synonymous variant. On other transcripts: intron variant (2).
Genome position (GRCh38, 1-based): chr3:195,783,291, T>G on the plus strand (A>C on the coding strand, the complement: MUC4 is on the minus strand). VCF-style: chr3-195783291-T-G. GRCh37 (hg19) VCF-style: chr3-195510162-T-G.
Other names: c.83-8986A>C (NM_138297.5); c.83-4836A>C (NM_004532.6).
Identifiers: ClinVar variation 4820955 (VCV004820955.4).

ClinVar aggregate classification (germline): Likely benign (1 of 4 stars; one submission).

Submission:

CeGaT Center for Human Genetics Tuebingen
Classification: Likely benign. Last evaluated: 2026-01-01. Review status: criteria provided, single submitter. Criteria: CeGaT Center For Human Genetics Tuebingen Variant Classification Criteria Version 2. Collection method: clinical testing. Allele origin: germline. Affected: yes. Observed: 1 variant allele.
Comment: MUC4: BP4, BP7